The following is an entry in ClinVar:

NM_006565.4(CTCF):c.778_781del (p.Lys260fs)

Gene: CTCF (CCCTC-binding factor; plus strand). Cytogenetic location: 16q22.1.
Variant type: Microsatellite.
Coding change: c.778_781del on transcript NM_006565.4 (MANE Select); coding-DNA positions 778 to 781, 4 bases deleted (AAAG; older notation c.778_781delAAAG).
Protein change: p.Lys260fs; shifts the reading frame from lysine 260.
Molecular consequence: frameshift variant. On other transcripts: intron variant (1).
Genome position (GRCh38, 1-based): chr16:67,611,610-67,611,613, AAAG deleted; deleting any 4 consecutive bases within chr16:67,611,606-67,611,613 gives the same sequence; the c. name uses the placement nearest the transcript's 3' end. VCF-style (leftmost placement, unchanged base first): chr16-67611605-AAAAG-A. GRCh37 (hg19) VCF-style: chr16-67645508-AAAAG-A.
Other names: c.778_781delAAAG (NM_006565.3); c.774_777AAAG[1], p.Lys260Valfs (NM_001363916.2); c.-32-5135_-32-5132del (NM_001191022.2); short protein forms K260fs.
Identifiers: ClinVar variation 984936 (VCV000984936.5), dbSNP rs2052063931, ClinGen allele CA923726210.

ClinVar aggregate classification (germline): Pathogenic. Review status: criteria provided, multiple submitters, no conflicts (2 of 4 stars). 3 submissions from 3 submitters: Pathogenic (3). Last evaluated 2020-07-13.

Conditions:
CTCF-related disorder. Also called: CTCF-related condition. Identifiers: MedGen CN381101.
CTCF-related neurodevelopmental disorder. Also called: INTELLECTUAL DEVELOPMENTAL DISORDER, AUTOSOMAL DOMINANT 21; Intellectual disability-feeding difficulties-developmental delay-microcephaly syndrome. Identifiers: Orphanet 363611, MedGen C3809686, MONDO:0014213, OMIM 615502.

Submissions (3):

Blueprint Genetics
Classification: Pathogenic for CTCF-related disorders. Last evaluated: 2020-07-13. Review status: criteria provided, single submitter. Criteria: ACMG Guidelines, 2015. Collection method: clinical testing. Allele origin: de novo. Affected: yes. Observed: 1 variant allele.

Victorian Clinical Genetics Services, Murdoch Childrens Research Institute
Classification: Pathogenic for CTCF-related neurodevelopmental disorder. Last evaluated: 2020-06-11. Review status: criteria provided, single submitter. Criteria: ACMG Guidelines, 2015. Collection method: clinical testing. Allele origin: germline. Inheritance: Autosomal dominant inheritance. Affected: yes.
Comment: Based on the classification scheme VCGS_Germline_v1.1.1, this variant is classified as Pathogenic. Following criteria are met: 0102 - Loss-of-function is a known mechanism of disease for this gene. (N) 0107 - This gene is known to be associated with autosomal dominant disease. (N) 0201 - Variant is predicted to cause nonsense-mediated decay (NMD) and loss of protein (exon 4 of 12). (P) 0212 - Non-canonical splice variant without proven consequence on splicing (no functional evidence available). (N) 0251 - Variant is heterozygous. (N) 0301 - Variant is absent from gnomAD. (P) 0506 - Abnormal splicing is not predicted and nucleotide is poorly conserved. (B) 0701 - Comparable variants have very strong previous evidence for pathogenicity. Other variants predicted to cause NMD have been reported as pathogenic in individuals with this intellectual disability (ClinVar). (P) 0807 - Variant has not previously been reported in a clinical context. (N) 0905 - No segregation evidence has been identified for this variant. (N) 1007 - No published functional evidence has been identified for this variant. (N) 1208 - Inheritance information for this variant is not currently available. (N) Legend: (P) - Pathogenic, (N) - Neutral, (B) - Benign

Rady Children's Institute for Genomic Medicine, Rady Children's Hospital San Diego
Classification: Pathogenic for MENTAL RETARDATION, AUTOSOMAL DOMINANT 21. Last evaluated: 2020-02-19. Review status: criteria provided, single submitter. Criteria: ACMG Guidelines, 2015. Collection method: clinical testing. Allele origin: germline. Affected: yes.
Comment: This frameshifting variant in exon 3 of 12 introduces a premature stop codon and is therefore predicted to result in loss of normal protein function. This variant has not been previously reported or functionally characterized in the literature to our knowledge. It is absent from the ExAC and gnomAD population databases and thus is presumed to be rare. Analysis of the parental samples was negative for the variant, indicating this variant likely occurred as a de novo event. Based on the available evidence, the c.778_781del (p.Lys260ValfsTer2) variant is classified as Pathogenic.